The following is an entry in ClinVar:

NM_000171.4(GLRA1):c.943A>T (p.Met315Leu)

Gene: GLRA1 (glycine receptor alpha 1; minus strand). Cytogenetic location: 5q33.1.
Variant type: single nucleotide variant.
Coding change: c.943A>T on transcript NM_000171.4 (MANE Select); coding-DNA position 943, A replaced by T.
Protein change: p.Met315Leu; replaces methionine 315 with leucine.
Molecular consequence: missense variant.
Genome position (GRCh38, 1-based): chr5:151,829,037, T>A on the plus strand (A>T on the coding strand, the complement: GLRA1 is on the minus strand). VCF-style: chr5-151829037-T-A. GRCh37 (hg19) VCF-style: chr5-151208598-T-A.
Other names: c.943A>T, p.Met315Leu (NM_001146040.2); c.694A>T, p.Met232Leu (NM_001292000.2); short protein forms M232L, M315L.
Identifiers: ClinVar variation 2808203 (VCV002808203.3), dbSNP rs1763351077, ClinGen allele CA361851807.
Genomic context (GRCh38, chr5:151,829,037, plus strand): 5'-CAAAGTTAACGGCAGCATATTCTAATAGGGCTGAGAACACAAAGAGCAGGCAAACTGCCA[T>A]CCAAATGTCAATGGCTTTCACATAGGACACCTAGAGTGGGGGTGGAGGAGAAACAGGGAG-3'
Protein context (NP_000162.2, residues 305-325): VSYVKAIDIW[Met315Leu]AVCLLFVFSA

ClinVar aggregate classification (germline): Uncertain significance (1 of 4 stars; one submission).

Conditions:
Hereditary hyperekplexia. Identifiers: Orphanet 3197, MedGen C4084968, MONDO:0021022.

gnomAD v4.1: 1 of 1,614,064 alleles (0.000062%); highest among the groups gnomAD compares: African/African-American, 0.0013%; no homozygotes.

Submission:

Labcorp Genetics (formerly Invitae), Labcorp
Classification: Uncertain significance for Hereditary hyperekplexia. Last evaluated: 2024-11-20. Review status: criteria provided, single submitter. Criteria: Invitae Variant Classification Sherloc (09022015). Collection method: clinical testing. Allele origin: germline.
Comment: This sequence change replaces methionine, which is neutral and non-polar, with leucine, which is neutral and non-polar, at codon 315 of the GLRA1 protein (p.Met315Leu). This variant is not present in population databases (gnomAD no frequency). This variant has not been reported in the literature in individuals affected with GLRA1-related conditions. ClinVar contains an entry for this variant (Variation ID: 2808203). Invitae Evidence Modeling of protein sequence and biophysical properties (such as structural, functional, and spatial information, amino acid conservation, physicochemical variation, residue mobility, and thermodynamic stability) indicates that this missense variant is not expected to disrupt GLRA1 protein function with a negative predictive value of 80%. In summary, the available evidence is currently insufficient to determine the role of this variant in disease. Therefore, it has been classified as a Variant of Uncertain Significance.